The following is an entry in ClinVar:

ClinVar aggregate classification (germline): Likely benign. Review status: criteria provided, multiple submitters, no conflicts (2 of 4 stars). 8 submissions from 8 submitters: Likely benign (7). 1 of the submissions does not count toward it. Last evaluated 2025-10-05.

Conditions:
BRIP1-related disorder. Also called: BRIP1-related condition; BRIP1-related disorders. Identifiers: MedGen CN239206.
Familial cancer of breast. Also called: Hereditary breast cancer; BREAST CANCER, FAMILIAL; hereditary breast carcinoma. Identifiers: Orphanet 227535, MedGen C0346153, MONDO:0016419, OMIM 114480. Disease mechanism: loss of function.
Fanconi anemia complementation group J. Also called: BRIP1-Related Fanconi Anemia. Identifiers: Orphanet 84, MedGen C1836860, MONDO:0012187, OMIM 609054.
Hereditary cancer-predisposing syndrome. Also called: Hereditary neoplastic syndrome; Tumor predisposition; Neoplastic Syndromes, Hereditary; Hereditary Cancer Syndrome. Identifiers: Orphanet 140162, MedGen C0027672, MeSH D009386, MONDO:0015356.

Allele frequency attached by ClinVar (database versions not stated): gnomAD 0.00001; TOPMed 0.00001.
gnomAD v4.1: 1 of 1,611,684 alleles (0.000062%); highest among the groups gnomAD compares: Non-Finnish European, 0.000085%; no homozygotes.

Submissions (8):

Labcorp Genetics (formerly Invitae), Labcorp
Classification: Likely benign for Familial cancer of breast; Fanconi anemia complementation group J. Last evaluated: 2025-10-05. Review status: criteria provided, single submitter. Criteria: Invitae Variant Classification Sherloc (09022015). Collection method: clinical testing. Allele origin: germline.

Quest Diagnostics Nichols Institute San Juan Capistrano
Classification: Likely benign. Last evaluated: 2025-04-25. Review status: criteria provided, single submitter. Criteria: Quest Diagnostics criteria. Collection method: clinical testing. Allele origin: unknown.

Center for Genomic Medicine, Rigshospitalet, Copenhagen University Hospital
Classification: Likely benign. Last evaluated: 2025-03-04. Review status: criteria provided, single submitter. Criteria: ACMG Guidelines, 2015. Collection method: clinical testing. Allele origin: germline.

Myriad Genetics, Inc.
Classification: Likely benign for Familial cancer of breast. Last evaluated: 2024-09-03. Review status: criteria provided, single submitter. Criteria: Myriad Autosomal Dominant, Autosomal Recessive and X-Linked Classification Criteria (2023). Collection method: clinical testing. Allele origin: unknown.
Comment: This variant is considered likely benign. This variant is intronic and is not expected to impact mRNA splicing.

Ambry Genetics
Classification: Likely benign for Hereditary cancer-predisposing syndrome. Last evaluated: 2019-11-08. Review status: criteria provided, single submitter. Criteria: Ambry Variant Classification Scheme 2023. Collection method: clinical testing. Allele origin: germline.

GeneDx
Classification: Likely benign. Last evaluated: 2018-10-04. Review status: criteria provided, single submitter. Criteria: GeneDx Variant Classification Process June 2021. Collection method: clinical testing. Allele origin: germline. Affected: yes.

Color Diagnostics, LLC DBA Color Health
Classification: Likely benign for Hereditary cancer-predisposing syndrome. Last evaluated: 2015-09-03. Review status: criteria provided, single submitter. Criteria: ACMG Guidelines, 2015. Collection method: clinical testing. Allele origin: germline.

PreventionGenetics, part of Exact Sciences
Classification: Likely benign for BRIP1-related condition. Last evaluated: 2023-06-08. Review status: no assertion criteria provided. Collection method: clinical testing. Allele origin: germline. Not counted in ClinVar's aggregate classification.
Comment: This variant is classified as likely benign based on ACMG/AMP sequence variant interpretation guidelines (Richards et al. 2015 PMID: 25741868, with internal and published modifications).

Literature cited by the submitters: PubMed 34099870 (cited by Quest Diagnostics Nichols Institute San Juan Capistrano); PubMed 30414346 (cited by Quest Diagnostics Nichols Institute San Juan Capistrano).

NM_032043.3(BRIP1):c.2098-3T>C

Gene: BRIP1 (BRCA1 interacting DNA helicase 1; minus strand). Cytogenetic location: 17q23.2.
Variant type: single nucleotide variant.
Coding change: c.2098-3T>C on transcript NM_032043.3 (MANE Select); 3 bases into the intron before coding-DNA position 2098, T replaced by C.
Molecular consequence: intron variant.
Genome position (GRCh38, 1-based): chr17:61,744,594, A>G on the plus strand (T>C on the coding strand, the complement: BRIP1 is on the minus strand). VCF-style: chr17-61744594-A-G. GRCh37 (hg19) VCF-style: chr17-59821955-A-G.
Identifiers: ClinVar variation 379013 (VCV000379013.26), dbSNP rs1057520463, ClinGen allele CA16607787.